The following is an entry in ClinVar:

ClinVar aggregate classification (germline): Uncertain significance (1 of 4 stars; one submission).

Submission:

Labcorp Genetics (formerly Invitae), Labcorp
Classification: Uncertain significance. Last evaluated: 2022-06-22. Review status: criteria provided, single submitter. Criteria: Invitae Variant Classification Sherloc (09022015). Collection method: clinical testing. Allele origin: germline.
Comment: This sequence change replaces alanine, which is neutral and non-polar, with threonine, which is neutral and polar, at codon 574 of the SLC26A3 protein (p.Ala574Thr). This variant is not present in population databases (gnomAD no frequency). This variant has not been reported in the literature in individuals affected with SLC26A3-related conditions. Algorithms developed to predict the effect of missense changes on protein structure and function are either unavailable or do not agree on the potential impact of this missense change (SIFT: "Tolerated"; PolyPhen-2: "Possibly Damaging"; Align-GVGD: "Class C0"). In summary, the available evidence is currently insufficient to determine the role of this variant in disease. Therefore, it has been classified as a Variant of Uncertain Significance.

NM_000111.3(SLC26A3):c.1720G>A (p.Ala574Thr)

Gene: SLC26A3 (solute carrier family 26 member 3; minus strand). Cytogenetic location: 7q22.3.
Variant type: single nucleotide variant.
Coding change: c.1720G>A on transcript NM_000111.3 (MANE Select); coding-DNA position 1720, G replaced by A.
Protein change: p.Ala574Thr; replaces alanine 574 with threonine.
Molecular consequence: missense variant.
Genome position (GRCh38, 1-based): chr7:107,774,830, C>T on the plus strand (G>A on the coding strand, the complement: SLC26A3 is on the minus strand). VCF-style: chr7-107774830-C-T. GRCh37 (hg19) VCF-style: chr7-107415275-C-T.
Other names: short protein forms A574T.
Identifiers: ClinVar variation 1964422 (VCV001964422.5), dbSNP rs2535454708, ClinGen allele CA368850593.